The following is an entry in ClinVar:

ClinVar aggregate classification (germline): Likely pathogenic (1 of 4 stars; one submission).

Conditions:
Mevalonic aciduria (MEVA). Identifiers: Orphanet 29, MedGen C1959626, MONDO:0012481, OMIM 610377.
Porokeratosis 3, disseminated superficial actinic type (POROK3). Also called: POROKERATOSIS 3, MULTIPLE TYPES; POROKERATOSIS 3, MIBELLI TYPE; POROKERATOSIS, DISSEMINATED SUPERFICIAL ACTINIC, 1. Identifiers: MedGen C1867981, MONDO:0008293, OMIM 175900.
Hyperimmunoglobulin D with periodic fever (HIDS). Also called: HYPERIMMUNOGLOBULINEMIA D AND PERIODIC FEVER SYNDROME; Hyperimmunoglobulinemia D with periodic fever; Hyperimmunoglobulinemia D. Identifiers: Orphanet 343, MedGen C0398691, MONDO:0009849, OMIM 260920.

gnomAD v4.1: 2 of 1,614,054 alleles (0.00012%); highest among the groups gnomAD compares: Non-Finnish European, 0.00017%; no homozygotes.

Submission:

Labcorp Genetics (formerly Invitae), Labcorp
Classification: Likely pathogenic for Mevalonic aciduria; Hyperimmunoglobulin D with periodic fever; Porokeratosis 3, disseminated superficial actinic type. Last evaluated: 2025-12-26. Review status: criteria provided, single submitter. Criteria: Invitae Variant Classification Sherloc (09022015). Collection method: clinical testing. Allele origin: germline.
Comment: This sequence change affects an acceptor splice site in intron 7 of the MVK gene. It is expected to disrupt RNA splicing. Variants that disrupt the donor or acceptor splice site typically lead to a loss of protein function (PMID: 16199547), and loss-of-function variants in MVK are known to be pathogenic (PMID: 16835861, 17105862, 23834120). This variant is not present in population databases (gnomAD no frequency). Disruption of this splice site has been observed in individual(s) with mevalonate kinase deficiency (PMID: 16835861). Algorithms developed to predict the effect of sequence changes on RNA splicing suggest that this variant may disrupt the consensus splice site. In summary, the currently available evidence indicates that the variant is pathogenic, but additional data are needed to prove that conclusively. Therefore, this variant has been classified as Likely Pathogenic.

Literature cited by the submitters: PubMed 16199547; PubMed 16835861; PubMed 17105862; PubMed 23834120.

NM_000431.4(MVK):c.678-1G>A

Gene: MVK (mevalonate kinase; plus strand). Cytogenetic location: 12q24.11.
Variant type: single nucleotide variant.
Coding change: c.678-1G>A on transcript NM_000431.4 (MANE Select); the canonical splice acceptor site of the intron before coding-DNA position 678, G replaced by A.
Molecular consequence: splice acceptor variant.
Genome position (GRCh38, 1-based): chr12:109,590,770, G>A. VCF-style: chr12-109590770-G-A. GRCh37 (hg19) VCF-style: chr12-110028575-G-A.
Other names: c.678-1G>A (NM_001414511.1, NM_001414513.1, NM_001114185.3); c.753-1G>A (NM_001414512.1); c.522-1G>A (NM_001414514.1, NM_001301182.2); c.96-1G>A (NM_001414515.1).
Identifiers: ClinVar variation 4794732 (VCV004794732.1).
Genomic context (GRCh38, chr12:109,590,770, plus strand): 5'-GTCCTGTCCCAGCTCCTCCATCTTGAGTTCAGTGTGGACCTGCCTCCTCTTCACCCTGCA[G>A]GTCGCCAGCTCTCCAGATCCTGCTGACCAACACCAAAGTCCCTCGCAATACCAGGGCCCT-3'